The following is an entry in ClinVar:

NM_000301.5(PLG):c.1756G>A (p.Val586Met)

Gene: PLG (plasminogen; plus strand). Cytogenetic location: 6q26.
Variant type: single nucleotide variant.
Coding change: c.1756G>A on transcript NM_000301.5 (MANE Select); coding-DNA position 1756, G replaced by A.
Protein change: p.Val586Met; replaces valine 586 with methionine.
Molecular consequence: missense variant.
Genome position (GRCh38, 1-based): chr6:160,736,961, G>A. VCF-style: chr6-160736961-G-A. GRCh37 (hg19) VCF-style: chr6-161157993-G-A.
Other names: short protein forms V586M.
Identifiers: ClinVar variation 3679807 (VCV003679807.2).

ClinVar aggregate classification (germline): Uncertain significance (1 of 4 stars; one submission).

gnomAD v4.1: 1 of 1,613,906 alleles (0.000062%); highest among the groups gnomAD compares: Non-Finnish European, 0.000085%; no homozygotes.

Submission:

Labcorp Genetics (formerly Invitae), Labcorp
Classification: Uncertain significance. Last evaluated: 2024-05-27. Review status: criteria provided, single submitter. Criteria: Invitae Variant Classification Sherloc (09022015). Collection method: clinical testing. Allele origin: germline.
Comment: This sequence change replaces valine, which is neutral and non-polar, with methionine, which is neutral and non-polar, at codon 586 of the PLG protein (p.Val586Met). This variant is not present in population databases (gnomAD no frequency). This variant has not been reported in the literature in individuals affected with PLG-related conditions. Advanced modeling of protein sequence and biophysical properties (such as structural, functional, and spatial information, amino acid conservation, physicochemical variation, residue mobility, and thermodynamic stability) performed at Invitae indicates that this missense variant is not expected to disrupt PLG protein function with a negative predictive value of 80%. In summary, the available evidence is currently insufficient to determine the role of this variant in disease. Therefore, it has been classified as a Variant of Uncertain Significance.